The following is an entry in ClinVar:

NM_005477.3(HCN4):c.1590+6T>A

Gene: HCN4 (hyperpolarization activated cyclic nucleotide gated potassium channel 4; minus strand). Cytogenetic location: 15q24.1.
Variant type: single nucleotide variant.
Coding change: c.1590+6T>A on transcript NM_005477.3 (MANE Select); 6 bases into the intron after coding-DNA position 1590, T replaced by A.
Molecular consequence: intron variant.
Genome position (GRCh38, 1-based): chr15:73,329,567, A>T on the plus strand (T>A on the coding strand, the complement: HCN4 is on the minus strand). VCF-style: chr15-73329567-A-T. GRCh37 (hg19) VCF-style: chr15-73621908-A-T.
Identifiers: ClinVar variation 1425387 (VCV001425387.6), dbSNP rs1040178011, ClinGen allele CA272671989.
Genomic context (GRCh38, chr15:73,329,567, plus strand): 5'-CTGGCTGGTGGCCTGTGCTCCCTCTTGGGAGGGACCAATGTGCGGGTGCTCCCTGGGTAG[A>T]CCTACCTTTTCCTGGTACTGGCGCCGGGAGGAGTCCAGGGACTGGATGAGGGCAGTGGCG-3'

ClinVar aggregate classification (germline): Uncertain significance (1 of 4 stars; one submission).

Conditions:
Brugada syndrome 8 (BRGDA8). Identifiers: Orphanet 130, MedGen C2751083, MONDO:0013148, OMIM 613123.

Allele frequency attached by ClinVar (database versions not stated): gnomAD 0.00001; TOPMed 0.00002.
gnomAD v4.1: 1 of 1,613,524 alleles (0.000062%); highest among the groups gnomAD compares: African/African-American, 0.0013%; no homozygotes.

Submission:

Labcorp Genetics (formerly Invitae), Labcorp
Classification: Uncertain significance for Brugada syndrome 8. Last evaluated: 2021-12-30. Review status: criteria provided, single submitter. Criteria: Invitae Variant Classification Sherloc (09022015). Collection method: clinical testing. Allele origin: germline.
Comment: In summary, the available evidence is currently insufficient to determine the role of this variant in disease. Therefore, it has been classified as a Variant of Uncertain Significance. Variants that disrupt the consensus splice site are a relatively common cause of aberrant splicing (PMID: 17576681, 9536098). Algorithms developed to predict the effect of sequence changes on RNA splicing suggest that this variant is not likely to affect RNA splicing. This variant has not been reported in the literature in individuals affected with HCN4-related conditions. This variant is not present in population databases (gnomAD no frequency). This sequence change falls in intron 4 of the HCN4 gene. It does not directly change the encoded amino acid sequence of the HCN4 protein. It affects a nucleotide within the consensus splice site.

Literature cited by the submitters: PubMed 17576681; PubMed 9536098.